The following is an entry in ClinVar:

NM_002835.4(PTPN12):c.2112T>C (p.Ser704=)

Gene: PTPN12 (protein tyrosine phosphatase non-receptor type 12; plus strand). Cytogenetic location: 7q11.23.
Variant type: single nucleotide variant.
Coding change: c.2112T>C on transcript NM_002835.4 (MANE Select); coding-DNA position 2112, T replaced by C.
Protein change: p.Ser704=; no amino-acid change (serine 704 retained).
Molecular consequence: synonymous variant.
Genome position (GRCh38, 1-based): chr7:77,635,819, T>C. VCF-style: chr7-77635819-T-C. GRCh37 (hg19) VCF-style: chr7-77265136-T-C.
Other names: c.1755T>C, p.Ser585= (NM_001131008.2); c.1722T>C, p.Ser574= (NM_001131009.2).
Identifiers: ClinVar variation 2657633 (VCV002657633.24), dbSNP rs774347812, ClinGen allele CA4311942.
Genomic context (GRCh38, chr7:77,635,819, plus strand): 5'-CAATAAGATTTCATTTTTCTCAGATACACCTGTAAGATCGGAATGGAGTGAACTTCAAAG[T>C]CAGGAACGATCTGAACAAAAAAAGTCTGAAGTAAGTCCTTTTGGAATTGGAACAGTTATA-3'
Protein context (NP_002826.3, residues 694-714): PVRSEWSELQ[Ser704=]QERSEQKKSE

ClinVar aggregate classification (germline): Likely benign (1 of 4 stars; one submission).

gnomAD v4.1: 4 of 1,608,178 alleles (0.00025%); highest among the groups gnomAD compares: South Asian, 0.0045%; no homozygotes.

Submission:

CeGaT Center for Human Genetics Tuebingen
Classification: Likely benign. Last evaluated: 2022-12-01. Review status: criteria provided, single submitter. Criteria: CeGaT Center For Human Genetics Tuebingen Variant Classification Criteria Version 2. Collection method: clinical testing. Allele origin: germline. Affected: yes. Observed: 1 variant allele.
Comment: PTPN12: BP4, BP7